The following is an entry in ClinVar:

ClinVar aggregate classification (germline): Benign/Likely benign. Review status: criteria provided, multiple submitters, no conflicts (2 of 4 stars). 2 submissions from 2 submitters: Benign (1); Likely benign (1). Last evaluated 2024-11-21.

Allele frequency attached by ClinVar (database versions not stated): gnomAD 0.00005; gnomAD exomes 0.00006; TOPMed 0.00006; ExAC 0.00015.
gnomAD v4.1: 68 of 1,205,692 alleles (0.0056%); highest among the groups gnomAD compares: Non-Finnish European, 0.0073%; no homozygotes.

Submissions (2):

Labcorp Genetics (formerly Invitae), Labcorp
Classification: Benign. Last evaluated: 2024-11-21. Review status: criteria provided, single submitter. Criteria: Invitae Variant Classification Sherloc (09022015). Collection method: clinical testing. Allele origin: germline.

CeGaT Center for Human Genetics Tuebingen
Classification: Likely benign. Last evaluated: 2024-03-01. Review status: criteria provided, single submitter. Criteria: CeGaT Center For Human Genetics Tuebingen Variant Classification Criteria Version 2. Collection method: clinical testing. Allele origin: germline. Affected: yes. Observed: 1 variant allele.
Comment: IL1RAPL1: BS2

NM_014271.4(IL1RAPL1):c.59A>G (p.Lys20Arg)

Gene: IL1RAPL1 (interleukin 1 receptor accessory protein like 1; plus strand). Cytogenetic location: Xp21.3.
Variant type: single nucleotide variant.
Coding change: c.59A>G on transcript NM_014271.4 (MANE Select); coding-DNA position 59, A replaced by G.
Protein change: p.Lys20Arg; replaces lysine 20 with arginine.
Molecular consequence: missense variant.
Genome position (GRCh38, 1-based): chrX:28,789,402, A>G. VCF-style: chrX-28789402-A-G. GRCh37 (hg19) VCF-style: chrX-28807519-A-G.
Other names: short protein forms K20R.
Identifiers: ClinVar variation 3067362 (VCV003067362.23), dbSNP rs781634327, ClinGen allele CA10375358.